The following is an entry in ClinVar:

ClinVar aggregate classification (germline): Benign. Review status: criteria provided, single submitter (1 of 4 stars). 2 submissions from 2 submitters: Benign (1). 1 of the submissions does not count toward it. Last evaluated 2023-10-01.

Conditions:
DPP6-related disorder. Also called: DPP6-related condition.

Allele frequency attached by ClinVar (database versions not stated): TOPMed 0.00004; gnomAD 0.00026; 1000 Genomes Project 30x 0.00203; ExAC 0.00232; 1000 Genomes Project 0.00240.
gnomAD v4.1: 665 of 1,554,022 alleles (0.043%); highest among the groups gnomAD compares: South Asian, 0.68%; 8 homozygotes.

Submissions (2):

CeGaT Center for Human Genetics Tuebingen
Classification: Benign. Last evaluated: 2023-10-01. Review status: criteria provided, single submitter. Criteria: CeGaT Center For Human Genetics Tuebingen Variant Classification Criteria Version 2. Collection method: clinical testing. Allele origin: germline. Affected: yes. Observed: 2 variant alleles.
Comment: DPP6: BP4, BS1, BS2

PreventionGenetics, part of Exact Sciences
Classification: Benign for DPP6-related condition. Last evaluated: 2019-10-31. Review status: no assertion criteria provided. Collection method: clinical testing. Allele origin: germline. Not counted in ClinVar's aggregate classification.
Comment: This variant is classified as benign based on ACMG/AMP sequence variant interpretation guidelines (Richards et al. 2015 PMID: 25741868, with internal and published modifications).

NM_130797.4(DPP6):c.627+20797G>A

Gene: DPP6 (dipeptidyl peptidase like 6; plus strand). Cytogenetic location: 7q36.2.
Variant type: single nucleotide variant.
Coding change: c.627+20797G>A on transcript NM_130797.4 (MANE Select); 20797 bases into the intron after coding-DNA position 627, G replaced by A.
Molecular consequence: genic downstream transcript variant. On other transcripts: missense variant (1), 3 prime UTR variant (1).
Genome position (GRCh38, 1-based): chr7:154,587,713, G>A. VCF-style: chr7-154587713-G-A. GRCh37 (hg19) VCF-style: chr7-154379423-G-A.
Other names: c.691G>A, p.Val231Ile (NM_001290253.2); c.*539G>A (NM_001364502.2); c.444+20797G>A (NM_001364500.2, NM_001364499.2, NM_001364497.2 and 1 more transcripts); c.435+20797G>A (NM_001364501.2, NM_001039350.3); c.441+20797G>A (NM_001936.5, NM_001290252.2); c.691G>A (NM_001290253.1); short protein forms V231I.
Identifiers: ClinVar variation 2658254 (VCV002658254.25), dbSNP rs551144687, ClinGen allele CA4583163.